The following is an entry in ClinVar:

NM_001145319.2(PLS1):c.1295A>T (p.Glu432Val)

Gene: PLS1 (plastin 1; plus strand). Cytogenetic location: 3q23.
Variant type: single nucleotide variant.
Coding change: c.1295A>T on transcript NM_001145319.2 (MANE Select); coding-DNA position 1295, A replaced by T.
Protein change: p.Glu432Val; replaces glutamic acid 432 with valine.
Molecular consequence: missense variant.
Genome position (GRCh38, 1-based): chr3:142,697,991, A>T. VCF-style: chr3-142697991-A-T. GRCh37 (hg19) VCF-style: chr3-142416833-A-T.
Other names: c.1295A>T, p.Glu432Val (NM_001172312.2, NM_002670.3); short protein forms E432V.
Identifiers: ClinVar variation 3066274 (VCV003066274.1), dbSNP rs2472797390, ClinGen allele CA354835163.

ClinVar aggregate classification (germline): Uncertain significance (1 of 4 stars; one submission).

Conditions:
Hearing loss, autosomal dominant 76. Also called: DEAFNESS, AUTOSOMAL DOMINANT 76. Identifiers: MedGen C5394080, MONDO:0032917, OMIM 618787.

Allele frequency attached by ClinVar (database versions not stated): gnomAD exomes below 0.00001.
gnomAD v4.1: 2 of 1,613,438 alleles (0.00012%); highest among the groups gnomAD compares: South Asian, 0.0022%; no homozygotes.

Submission:

MVZ Medizinische Genetik Mainz
Classification: Uncertain significance for Hearing loss, autosomal dominant 76. Last evaluated: 2022-11-17. Review status: criteria provided, single submitter. Criteria: UK Practice Guidelines For Variant Classification V4 01 2020. Collection method: clinical testing. Allele origin: germline. Inheritance: Autosomal dominant inheritance. Affected: yes. Observed: 1 variant allele.
Comment: ACMG Criteria: PM2_SUP, PP3